The following is an entry in ClinVar:

NM_173648.4(CCDC141):c.2948T>C (p.Leu983Pro)

Gene: CCDC141 (coiled-coil domain containing 141; minus strand). Cytogenetic location: 2q31.2.
Variant type: single nucleotide variant.
Coding change: c.2948T>C on transcript NM_173648.4 (MANE Select); coding-DNA position 2948, T replaced by C.
Protein change: p.Leu983Pro; replaces leucine 983 with proline.
Molecular consequence: missense variant.
Genome position (GRCh38, 1-based): chr2:178,855,459, A>G on the plus strand (T>C on the coding strand, the complement: CCDC141 is on the minus strand). VCF-style: chr2-178855459-A-G. GRCh37 (hg19) VCF-style: chr2-179720186-A-G.
Other names: short protein forms L983P.
Identifiers: ClinVar variation 2153504 (VCV002153504.4), dbSNP rs774941644, ClinGen allele CA2006841.

ClinVar aggregate classification (germline): Uncertain significance (1 of 4 stars; one submission).

Allele frequency attached by ClinVar (database versions not stated): gnomAD 0.00001; gnomAD exomes 0.00002; TOPMed 0.00003; ExAC 0.00004.
gnomAD v4.1: 14 of 1,611,808 alleles (0.00087%); highest among the groups gnomAD compares: Admixed American, 0.023%; 1 homozygote.

Submission:

Labcorp Genetics (formerly Invitae), Labcorp
Classification: Uncertain significance. Last evaluated: 2022-04-09. Review status: criteria provided, single submitter. Criteria: Invitae Variant Classification Sherloc (09022015). Collection method: clinical testing. Allele origin: germline.
Comment: This sequence change replaces leucine, which is neutral and non-polar, with proline, which is neutral and non-polar, at codon 983 of the CCDC141 protein (p.Leu983Pro). In summary, the available evidence is currently insufficient to determine the role of this variant in disease. Therefore, it has been classified as a Variant of Uncertain Significance. Algorithms developed to predict the effect of missense changes on protein structure and function (SIFT, PolyPhen-2, Align-GVGD) all suggest that this variant is likely to be disruptive. This variant has not been reported in the literature in individuals affected with CCDC141-related conditions. This variant is present in population databases (rs774941644, gnomAD 0.02%).